The following is an entry in ClinVar:

NM_005612.5(REST):c.3054C>A (p.Asp1018Glu)

Gene: REST (RE1 silencing transcription factor; plus strand). Cytogenetic location: 4q12.
Variant type: single nucleotide variant.
Coding change: c.3054C>A on transcript NM_005612.5 (MANE Select); coding-DNA position 3054, C replaced by A.
Protein change: p.Asp1018Glu; replaces aspartic acid 1018 with glutamic acid.
Molecular consequence: missense variant.
Genome position (GRCh38, 1-based): chr4:56,931,912, C>A. VCF-style: chr4-56931912-C-A. GRCh37 (hg19) VCF-style: chr4-57798078-C-A.
Other names: c.3054C>A, p.Asp1018Glu (NM_001193508.2, NM_001363453.3); short protein forms D1018E.
Identifiers: ClinVar variation 2498954 (VCV002498954.29), dbSNP rs750731942, ClinGen allele CA2932610.

ClinVar aggregate classification (germline): Uncertain significance. Review status: criteria provided, multiple submitters, no conflicts (2 of 4 stars). 2 submissions from 2 submitters: Uncertain significance (2). Last evaluated 2023-07-26.

Allele frequency attached by ClinVar (database versions not stated): gnomAD exomes below 0.00001; ExAC 0.00001.

Submissions (2):

Blueprint Genetics
Classification: Uncertain significance. Last evaluated: 2023-07-26. Review status: criteria provided, single submitter. Criteria: ACMG Guidelines, 2015. Collection method: clinical testing. Allele origin: germline.

CeGaT Center for Human Genetics Tuebingen
Classification: Uncertain significance. Last evaluated: 2023-02-01. Review status: criteria provided, single submitter. Criteria: CeGaT Center For Human Genetics Tuebingen Variant Classification Criteria Version 2. Collection method: clinical testing. Allele origin: germline. Affected: yes. Observed: 1 variant allele.
Comment: REST: PM2